The following is an entry in ClinVar:

NM_016011.5(MECR):c.44_57del (p.Arg15fs)

Gene: MECR (mitochondrial trans-2-enoyl-CoA reductase; minus strand). Cytogenetic location: 1p35.3.
Variant type: Deletion.
Coding change: c.44_57del on transcript NM_016011.5 (MANE Select); coding-DNA positions 44 to 57, 14 bases deleted (GGCAGTGGCGGGGG).
Protein change: p.Arg15fs; shifts the reading frame from arginine 15.
Molecular consequence: frameshift variant. On other transcripts: 5 prime UTR variant (6), non-coding transcript variant (4).
Genome position (GRCh38, 1-based): chr1:29,230,850-29,230,863, CCCCCGCCACTGCC deleted on the plus strand (GGCAGTGGCGGGGG on the coding strand, the reverse complement: MECR is on the minus strand). VCF-style (leftmost placement, unchanged base first): chr1-29230849-GCCCCCGCCACTGCC-G. GRCh37 (hg19) VCF-style: chr1-29557361-GCCCCCGCCACTGCC-G.
Other names: c.-312_-299del (NM_001024732.4); c.-516_-503del (NM_001349711.2); c.-517_-504del (NM_001349712.2); c.-394_-381del (NM_001349713.2); c.-306_-293del (NM_001349714.2); c.44_57del, p.Arg15fs (NM_001349715.2, NM_001349716.2); c.-99_-86del (NM_001349717.2); short protein forms R15fs.
Identifiers: ClinVar variation 2881617 (VCV002881617.3), dbSNP rs2522936231, ClinGen allele CA2574288858.
Genomic context (GRCh38, chr1:29,230,849, plus strand): 5'-GCTCGGCGGATGCGGAGTAGGAGGAGGCGGCAGGTCCGTGACAGCCAGAAGCTGGGAGCA[GCCCCCGCCACTGCC>G]GGGCGGGGGTTCGCACCCGCCACAGGGTACTGCAGACCCACATGCTCGCTCCAACCAACA-3'

ClinVar aggregate classification (germline): Pathogenic (1 of 4 stars; one submission).

Submission:

Labcorp Genetics (formerly Invitae), Labcorp
Classification: Pathogenic. Last evaluated: 2023-03-21. Review status: criteria provided, single submitter. Criteria: Invitae Variant Classification Sherloc (09022015). Collection method: clinical testing. Allele origin: germline.
Comment: This sequence change creates a premature translational stop signal (p.Arg15Profs*67) in the MECR gene. It is expected to result in an absent or disrupted protein product. Loss-of-function variants in MECR are known to be pathogenic (PMID: 27817865). This variant is not present in population databases (gnomAD no frequency). This variant has not been reported in the literature in individuals affected with MECR-related conditions. For these reasons, this variant has been classified as Pathogenic.

Literature cited by the submitters: PubMed 27817865.